The following is an entry in ClinVar:

ClinVar aggregate classification (germline): Uncertain significance. Review status: criteria provided, multiple submitters, no conflicts (2 of 4 stars). 2 submissions from 2 submitters: Uncertain significance (2). Last evaluated 2024-01-22.

Submissions (2):

Labcorp Genetics (formerly Invitae), Labcorp
Classification: Uncertain significance. Last evaluated: 2024-01-22. Review status: criteria provided, single submitter. Criteria: Invitae Variant Classification Sherloc (09022015). Collection method: clinical testing. Allele origin: germline.
Comment: This sequence change replaces asparagine, which is neutral and polar, with lysine, which is basic and polar, at codon 237 of the HNF1A protein (p.Asn237Lys). This variant is not present in population databases (gnomAD no frequency). This variant has not been reported in the literature in individuals affected with HNF1A-related conditions. An algorithm developed to predict the effect of missense changes on protein structure and function (PolyPhen-2) suggests that this variant is likely to be disruptive. In summary, the available evidence is currently insufficient to determine the role of this variant in disease. Therefore, it has been classified as a Variant of Uncertain Significance.

Athena Diagnostics
Classification: Uncertain significance. Last evaluated: 2023-12-29. Review status: criteria provided, single submitter. Criteria: Athena Diagnostics Criteria. Collection method: clinical testing. Allele origin: unknown.
Comment: Available data are insufficient to determine the clinical significance of the variant at this time. This variant has not been reported in large, multi-ethnic general populations. Computational tools predict that this variant is damaging. The variant is located in a region that is considered important for protein function and/or structure.

NM_000545.8(HNF1A):c.711T>G (p.Asn237Lys)

Gene: HNF1A (HNF1 homeobox A; plus strand). Cytogenetic location: 12q24.31.
Variant type: single nucleotide variant.
Coding change: c.711T>G on transcript NM_000545.8 (MANE Select); coding-DNA position 711, T replaced by G.
Protein change: p.Asn237Lys; replaces asparagine 237 with lysine.
Molecular consequence: missense variant.
Genome position (GRCh38, 1-based): chr12:120,993,704, T>G. VCF-style: chr12-120993704-T-G. GRCh37 (hg19) VCF-style: chr12-121431507-T-G.
Other names: c.711T>G, p.Asn237Lys (NM_001306179.2, NM_001406915.1); short protein forms N237K.
Identifiers: ClinVar variation 2706793 (VCV002706793.4), dbSNP rs571596374, ClinGen allele CA386965478.